The following is an entry in ClinVar:

NM_001267550.2(TTN):c.72236A>G (p.Lys24079Arg)

Genes: TTN (titin; minus strand), TTN-AS1 (TTN antisense RNA 1; plus strand). Cytogenetic location: 2q31.2.
Variant type: single nucleotide variant.
Coding change: c.72236A>G on transcript NM_001267550.2 (MANE Select); coding-DNA position 72236, A replaced by G.
Protein change: p.Lys24079Arg; replaces lysine 24079 with arginine.
Molecular consequence: missense variant.
Genome position (GRCh38, 1-based): chr2:178,573,896, T>C on the plus strand (A>G on the coding strand, the complement: TTN is on the minus strand). VCF-style: chr2-178573896-T-C. GRCh37 (hg19) VCF-style: chr2-179438623-T-C.
Other names: c.64532A>G, p.Lys21511Arg (NM_133378.4); c.67313A>G, p.Lys22438Arg (NM_001256850.1); c.45041A>G, p.Lys15014Arg (NM_003319.4); c.45416A>G, p.Lys15139Arg (NM_133432.3); c.45617A>G, p.Lys15206Arg (NM_133437.4); short protein forms K21511R, K24079R, K15206R, K15014R, K15139R, K22438R.
Identifiers: ClinVar variation 229506 (VCV000229506.5), dbSNP rs775482499, ClinGen allele CA1990529.

ClinVar aggregate classification (germline): Uncertain significance (1 of 4 stars; one submission).

Allele frequency attached by ClinVar (database versions not stated): gnomAD below 0.00001 and 0.00002; gnomAD exomes 0.00002; ExAC 0.00003.
gnomAD v4.1: 25 of 1,611,308 alleles (0.0016%); highest among the groups gnomAD compares: South Asian, 0.027%; no homozygotes.

Submission:

Laboratory for Molecular Medicine, Mass General Brigham Personalized Medicine
Classification: Uncertain significance. Last evaluated: 2015-06-10. Review status: criteria provided, single submitter. Criteria: LMM Criteria. Collection method: clinical testing. Allele origin: germline. Observed: 1 variant allele.
Comment: Variant classified as Uncertain Significance - Favor Benign. The p.Lys21511Arg v ariant TTN has not been previously reported in individuals with cardiomyopathy, but has been identified in 3/16244 South Asian chromosomes by the Exome Aggregat ion Consortium (ExAC). The affected amino acid i s not conserved in evolution and multiple mammals (cat, dog, ferret, panda, paci fic walrus and Weddell seal) have an arginine (Arg) at this position, suggesting that this change may be tolerated. In summary, while the clinical significance of the p.Lys21511Arg variant is uncertain, these data suggest that it is more li kely to be benign.